The following is an entry in ClinVar:

ClinVar aggregate classification (germline): Uncertain significance (1 of 4 stars; one submission).

Conditions:
Naxos disease (NXD). Also called: KERATOSIS PALMOPLANTARIS WITH ARRHYTHMOGENIC CARDIOMYOPATHY; MAL DE NAXOS; PALMOPLANTAR KERATODERMA WITH ARRHYTHMOGENIC RIGHT VENTRICULAR CARDIOMYOPATHY AND WOOLLY HAIR; WOOLLY HAIR, PALMOPLANTAR KERATODERMA, AND CARDIAC ABNORMALITIES; CARDIOMYOPATHY, ARRHYTHMOGENIC RIGHT VENTRICULAR, WITH SKIN, HAIR, AND NAIL ABNORMALITIES. Identifiers: Orphanet 34217, MedGen C1832600, MONDO:0011017, OMIM 601214.
Arrhythmogenic right ventricular dysplasia 12. Also called: ARRHYTHMOGENIC RIGHT VENTRICULAR DYSPLASIA, FAMILIAL, 12. Identifiers: MedGen C1969081, MONDO:0012684, OMIM 611528.

Submission:

Labcorp Genetics (formerly Invitae), Labcorp
Classification: Uncertain significance for Arrhythmogenic right ventricular dysplasia 12; Naxos disease. Last evaluated: 2024-04-14. Review status: criteria provided, single submitter. Criteria: Invitae Variant Classification Sherloc (09022015). Collection method: clinical testing. Allele origin: germline.
Comment: This sequence change replaces proline, which is neutral and non-polar, with serine, which is neutral and polar, at codon 703 of the JUP protein (p.Pro703Ser). This variant is not present in population databases (gnomAD no frequency). This variant has not been reported in the literature in individuals affected with JUP-related conditions. Algorithms developed to predict the effect of missense changes on protein structure and function output the following: SIFT: "Not Available"; PolyPhen-2: "Benign"; Align-GVGD: "Not Available". The serine amino acid residue is found in multiple mammalian species, which suggests that this missense change does not adversely affect protein function. In summary, the available evidence is currently insufficient to determine the role of this variant in disease. Therefore, it has been classified as a Variant of Uncertain Significance.

NM_002230.4(JUP):c.2107C>T (p.Pro703Ser)

Gene: JUP (junction plakoglobin; minus strand). Cytogenetic location: 17q21.2.
Variant type: single nucleotide variant.
Coding change: c.2107C>T on transcript NM_002230.4 (MANE Select); coding-DNA position 2107, C replaced by T.
Protein change: p.Pro703Ser; replaces proline 703 with serine.
Molecular consequence: missense variant.
Genome position (GRCh38, 1-based): chr17:41,755,875, G>A on the plus strand (C>T on the coding strand, the complement: JUP is on the minus strand). VCF-style: chr17-41755875-G-A. GRCh37 (hg19) VCF-style: chr17-39912127-G-A.
Other names: c.2107C>T, p.Pro703Ser (NM_001352773.2, NM_001352774.2, NM_001352775.2 and 3 more transcripts); short protein forms P703S.
Identifiers: ClinVar variation 3750659 (VCV003750659.2).
Genomic context (GRCh38, chr17:41,755,875, plus strand): 5'-CTCCATCCATGTCCATGTGCATCTCCAGCGGGTCAAGGGGCACATCGCTGGAGTACATGG[G>A]GCGGTAGGTGGCATCCATGTCTGGGGACAAAAAGTGGGGCTCGGTCCTAGGGTCTGCAAG-3'
Protein context (NP_002221.1, residues 693-713): YGDDMDATYR[Pro703Ser]MYSSDVPLDP